The following is an entry in ClinVar:

ClinVar aggregate classification (germline): Uncertain significance (1 of 4 stars; one submission).

gnomAD v4.1: 1 of 1,611,418 alleles (0.000062%); highest among the groups gnomAD compares: African/African-American, 0.0013%; no homozygotes.

Submission:

Ambry Genetics
Classification: Uncertain significance. Last evaluated: 2026-09-11. Review status: criteria provided, single submitter. Criteria: Ambry Variant Classification Scheme 2023. Collection method: clinical testing. Allele origin: germline.
Comment: The p.F279L variant (also known as c.837C>A), located in coding exon 6 of the RNF43 gene, results from a C to A substitution at nucleotide position 837. The phenylalanine at codon 279 is replaced by leucine, an amino acid with highly similar properties. This amino acid position is highly conserved in available vertebrate species. In addition, this alteration is predicted to be tolerated by in silico analysis. The evidence for this gene-disease relationship is limited; therefore, the clinical significance of this variant is unclear.

NM_017763.6(RNF43):c.837C>A (p.Phe279Leu)

Gene: RNF43 (ring finger protein 43; minus strand). Cytogenetic location: 17q22.
Variant type: single nucleotide variant.
Coding change: c.837C>A on transcript NM_017763.6 (MANE Select); coding-DNA position 837, C replaced by A.
Protein change: p.Phe279Leu; replaces phenylalanine 279 with leucine.
Molecular consequence: missense variant.
Genome position (GRCh38, 1-based): chr17:58,360,795, G>T on the plus strand (C>A on the coding strand, the complement: RNF43 is on the minus strand). VCF-style: chr17-58360795-G-T. GRCh37 (hg19) VCF-style: chr17-56438156-G-T.
Other names: c.456C>A, p.Phe152Leu (NM_001437987.1, NM_001305545.2); c.837C>A, p.Phe279Leu (NM_001438820.1, NM_001438821.1, NM_001438822.1 and 1 more transcripts); short protein forms F152L, F279L.
Identifiers: ClinVar variation 5028370 (VCV005028370.1).